The following is an entry in ClinVar:

ClinVar aggregate classification (germline): Conflicting classifications of pathogenicity. Review status: criteria provided, conflicting classifications (1 of 4 stars). 4 submissions from 4 submitters: Uncertain significance (1); Benign (1); Likely benign (1). 1 of the submissions does not count toward it. Last evaluated 2024-11-22.

Conditions:
THRA-related disorder. Also called: THRA-related condition.

Allele frequency attached by ClinVar (database versions not stated): TOPMed 0.00048; gnomAD 0.00061 and 0.00064; ESP Exome Variant Server 0.00077; gnomAD exomes 0.00077 and 0.00095; 1000 Genomes Project 30x 0.00078; 1000 Genomes Project 0.00080; ExAC 0.00080.
gnomAD v4.1: 1,480 of 1,613,744 alleles (0.092%); highest among the groups gnomAD compares: Middle Eastern, 0.41%; 1 homozygote.

Submissions (4):

Blueprint Genetics
Classification: Likely benign. Last evaluated: 2024-11-22. Review status: criteria provided, single submitter. Criteria: ACMG Guidelines, 2015. Collection method: clinical testing. Allele origin: germline.

Labcorp Genetics (formerly Invitae), Labcorp
Classification: Benign. Last evaluated: 2019-12-31. Review status: criteria provided, single submitter. Criteria: Invitae Variant Classification Sherloc (09022015). Collection method: clinical testing. Allele origin: germline.

Genetic Services Laboratory, University of Chicago
Classification: Uncertain significance. Last evaluated: 2016-11-07. Review status: criteria provided, single submitter. Criteria: ACMG Guidelines, 2015. Collection method: clinical testing. Allele origin: germline. Affected: no.

PreventionGenetics, part of Exact Sciences
Classification: Likely benign for THRA-related condition. Last evaluated: 2019-04-30. Review status: no assertion criteria provided. Collection method: clinical testing. Allele origin: germline. Not counted in ClinVar's aggregate classification.
Comment: This variant is classified as likely benign based on ACMG/AMP sequence variant interpretation guidelines (Richards et al. 2015 PMID: 25741868, with internal and published modifications).

NM_199334.5(THRA):c.577-4C>T

Gene: THRA (thyroid hormone receptor alpha; plus strand). Cytogenetic location: 17q21.1.
Variant type: single nucleotide variant.
Coding change: c.577-4C>T on transcript NM_199334.5 (MANE Select); 4 bases into the intron before coding-DNA position 577, C replaced by T.
Molecular consequence: intron variant.
Genome position (GRCh38, 1-based): chr17:40,086,703, C>T. VCF-style: chr17-40086703-C-T. GRCh37 (hg19) VCF-style: chr17-38242956-C-T.
Other names: c.577-4C>T (NM_001190919.2, NM_003250.6, NM_001190918.2 and 1 more transcripts).
Identifiers: ClinVar variation 437003 (VCV000437003.13), dbSNP rs188965373, ClinGen allele CA8539193.